The following is an entry in ClinVar:

ClinVar aggregate classification (germline): Benign (1 of 4 stars; one submission).

Allele frequency attached by ClinVar (database versions not stated): 1000 Genomes Project 30x 0.00921; 1000 Genomes Project 0.01018; TOPMed 0.01305; gnomAD 0.01855 and 0.01933.
gnomAD v4.1: 2,823 of 152,310 alleles (1.9%); highest among the groups gnomAD compares: Non-Finnish European, 2.3%; 70 homozygotes.

Submission:

GeneDx
Classification: Benign. Last evaluated: 2018-06-14. Review status: criteria provided, single submitter. Criteria: GeneDx Variant Classification (06012015). Collection method: clinical testing. Allele origin: germline. Affected: yes.
Comment: This variant is considered likely benign or benign based on one or more of the following criteria: it is a conservative change, it occurs at a poorly conserved position in the protein, it is predicted to be benign by multiple in silico algorithms, and/or has population frequency not consistent with disease.

NM_182961.4(SYNE1):c.5268-327T>C

Gene: SYNE1 (spectrin repeat containing nuclear envelope protein 1; minus strand). Cytogenetic location: 6q25.2.
Variant type: single nucleotide variant.
Coding change: c.5268-327T>C on transcript NM_182961.4 (MANE Select); 327 bases into the intron before coding-DNA position 5268, T replaced by C.
Molecular consequence: intron variant.
Genome position (GRCh38, 1-based): chr6:152,420,049, A>G on the plus strand (T>C on the coding strand, the complement: SYNE1 is on the minus strand). VCF-style: chr6-152420049-A-G. GRCh37 (hg19) VCF-style: chr6-152741184-A-G.
Other names: c.5289-327T>C (NM_033071.5).
Identifiers: ClinVar variation 672636 (VCV000672636.1), dbSNP rs34429222, ClinGen allele CA150209708.
Genomic context (GRCh38, chr6:152,420,049, plus strand): 5'-ACCCTCTCAGCATAACATATGTTCCAAAATTGAATGAAATTCCTGTAATTCTGATGCCTT[A>G]GTATATGTTATCAGTAATAATTATCATTATGTTCAATTGTTGTGTGCCACAGAAGTAACC-3'